The following is an entry in ClinVar:

NM_006361.6(HOXB13):c.231C>G (p.Pro77=)

Gene: HOXB13 (homeobox B13; minus strand). Cytogenetic location: 17q21.32.
Variant type: single nucleotide variant.
Coding change: c.231C>G on transcript NM_006361.6 (MANE Select); coding-DNA position 231, C replaced by G.
Protein change: p.Pro77=; no amino-acid change (proline 77 retained).
Molecular consequence: synonymous variant.
Genome position (GRCh38, 1-based): chr17:48,728,363, G>C on the plus strand (C>G on the coding strand, the complement: HOXB13 is on the minus strand). VCF-style: chr17-48728363-G-C. GRCh37 (hg19) VCF-style: chr17-46805725-G-C.
Identifiers: ClinVar variation 2897529 (VCV002897529.4), dbSNP rs770545259, ClinGen allele CA500662003.
Genomic context (GRCh38, chr17:48,728,363, plus strand): 5'-CAGCGAGCTCCGGGACACTCGGCAGGAGTAGTACCCGCCTCCAAAGTAACCATAAGGCAC[G>C]GGAGCTGGGGACGTCCCCTGGGGCACCCCAGGGCATGGGTGGCATTGCTTTGGCGGCTCC-3'
Protein context (NP_006352.2, residues 67-87): PGVPQGTSPA[Pro77=]VPYGYFGGGY

ClinVar aggregate classification (germline): Benign/Likely benign. Review status: criteria provided, multiple submitters, no conflicts (2 of 4 stars). 2 submissions from 2 submitters: Benign (1); Likely benign (1). Last evaluated 2024-10-29.

Conditions:
Prostate cancer, hereditary, 9 (HPC9). Identifiers: Orphanet 1331, MedGen C1970250, MONDO:0012597, OMIM 610997.

Submissions (2):

Myriad Genetics, Inc.
Classification: Benign for Prostate cancer, hereditary, 9. Last evaluated: 2024-10-29. Review status: criteria provided, single submitter. Criteria: Myriad Autosomal Dominant, Autosomal Recessive and X-Linked Classification Criteria (2023). Collection method: clinical testing. Allele origin: unknown.
Comment: This variant is considered benign. This variant is a silent/synonymous amino acid change and it is not expected to impact splicing.

Labcorp Genetics (formerly Invitae), Labcorp
Classification: Likely benign. Last evaluated: 2023-06-16. Review status: criteria provided, single submitter. Criteria: Invitae Variant Classification Sherloc (09022015). Collection method: clinical testing. Allele origin: germline.